The following is an entry in ClinVar:

ClinVar aggregate classification (germline): Pathogenic (0 of 4 stars; one submission).

Conditions:
Ataxia-telangiectasia syndrome (AT). Also called: Ataxia telangiectasia (A-T); Ataxia-telangiectasia, complementation group D; Ataxia-telangiectasia, complementation group E; AT, COMPLEMENTATION GROUP C; Cerebello-oculocutaneous telangiectasia; Immunodeficiency with ataxia telangiectasia. Identifiers: Orphanet 100, MedGen C0004135, MONDO:0008840, OMIM 208900.

Submission:

Department of Rehabilitation Medicine, Incheon St. Mary’s Hospital, College of Medicine, The Catholic University of Korea
Classification: Pathogenic for Ataxia-telangiectasia syndrome. Last evaluated: 2019-11-20. Review status: no assertion criteria provided. Collection method: clinical testing. Allele origin: maternal. Inheritance: Autosomal recessive inheritance. Affected: yes.

NC_000011.10:g.108151767_108183227del

Genes: ATM (ATM serine/threonine kinase; plus strand), NPAT (nuclear protein, coactivator of histone transcription; minus strand), LOC128772354 (melanoma risk locus-associated MPRA allelic enhancer 11:108047982; plus strand), LOC130006698 (ATAC-STARR-seq lymphoblastoid silent region 3877; plus strand). Cytogenetic location: 11q22.3.
Variant type: Deletion.
Identifiers: ClinVar variation 694625 (VCV000694625.2).